The following is an entry in ClinVar:

ClinVar aggregate classification (germline): Pathogenic (1 of 4 stars; one submission).

Conditions:
Chuvash polycythemia. Also called: POLYCYTHEMIA, VHL-DEPENDENT. Identifiers: Orphanet 238557, MedGen C1837915, MONDO:0009892, OMIM 263400.
Von Hippel-Lindau syndrome (VHLS). Also called: von Hippel–Lindau syndrome; VHL syndrome; Von Hippel-Lindau. Identifiers: Orphanet 892, MedGen C0019562, MONDO:0008667, OMIM 193300. Disease mechanism: loss of function.

Submission:

Labcorp Genetics (formerly Invitae), Labcorp
Classification: Pathogenic for Von Hippel-Lindau syndrome; Chuvash polycythemia. Last evaluated: 2024-12-05. Review status: criteria provided, single submitter. Criteria: Invitae Variant Classification Sherloc (09022015). Collection method: clinical testing. Allele origin: germline.
Comment: This variant, c.285_308del, results in the deletion of 8 amino acid(s) of the VHL protein (p.Gln96_Pro103del), but otherwise preserves the integrity of the reading frame. This variant is not present in population databases (gnomAD no frequency). This variant has not been reported in the literature in individuals affected with VHL-related conditions. This variant disrupts a region of the VHL protein in which other variant(s) (p.Tyr98_Leu101del) have been determined to be pathogenic (internal data). This suggests that this is a clinically significant region of the protein, and that variants that disrupt it are likely to be disease-causing. For these reasons, this variant has been classified as Pathogenic.

NM_000551.4(VHL):c.285_308del (p.Gln96_Pro103del)

Gene: VHL (von Hippel-Lindau tumor suppressor; plus strand). Cytogenetic location: 3p25.3.
Variant type: Deletion.
Coding change: c.285_308del on transcript NM_000551.4 (MANE Select); coding-DNA positions 285 to 308, 24 bases deleted (GCAGCCCTACCCAACGCTGCCGCC).
Protein change: p.Gln96_Pro103del.
Molecular consequence: inframe deletion. On other transcripts: non-coding transcript variant (1).
Genome position (GRCh38, 1-based): chr3:10,142,132-10,142,155, GCAGCCCTACCCAACGCTGCCGCC deleted; deleting any 24 consecutive bases within chr3:10,142,129-10,142,155 gives the same sequence; the c. name uses the placement nearest the transcript's 3' end. VCF-style (leftmost placement, unchanged base first): chr3-10142128-AGCCGCAGCCCTACCCAACGCTGCC-A. GRCh37 (hg19) VCF-style: chr3-10183812-AGCCGCAGCCCTACCCAACGCTGCC-A.
Other names: c.285_308del, p.Gln96_Pro103del (NM_001354723.2, NM_198156.3).
Identifiers: ClinVar variation 3759978 (VCV003759978.2).